The following is an entry in ClinVar:

NM_000384.3(APOB):c.9844A>G (p.Ser3282Gly)

Gene: APOB (apolipoprotein B; minus strand). Cytogenetic location: 2p24.1.
Variant type: single nucleotide variant.
Coding change: c.9844A>G on transcript NM_000384.3 (MANE Select); coding-DNA position 9844, A replaced by G.
Protein change: p.Ser3282Gly; replaces serine 3282 with glycine.
Molecular consequence: missense variant.
Genome position (GRCh38, 1-based): chr2:21,007,024, T>C on the plus strand (A>G on the coding strand, the complement: APOB is on the minus strand). VCF-style: chr2-21007024-T-C. GRCh37 (hg19) VCF-style: chr2-21229896-T-C.
Other names: c.9844A>G (NM_000384.2); short protein forms S3282G.
Identifiers: ClinVar variation 2926213 (VCV002926213.4), dbSNP rs765547941, ClinGen allele CA066885.

ClinVar aggregate classification (germline): Conflicting classifications of pathogenicity. Review status: criteria provided, conflicting classifications (1 of 4 stars). 2 submissions from 2 submitters: Uncertain significance (1); Likely benign (1). Last evaluated 2026-04-14.

Conditions:
Hypercholesterolemia, autosomal dominant, type B (FHCL2). Also called: APOLIPOPROTEIN B-100, FAMILIAL DEFECTIVE; APOLIPOPROTEIN B-100, FAMILIAL LIGAND-DEFECTIVE; HYPERCHOLESTEROLEMIA, FAMILIAL, DUE TO LIGAND-DEFECTIVE APOLIPOPROTEIN B; Hyperlipoproteinemia Type IIb; Familial Hypercholesterolemia Type B; Familial hypercholesterolemia 2. Identifiers: MedGen C1704417, MONDO:0007751, OMIM 144010.
Familial hypobetalipoproteinemia 1. Also called: APOB-Related Familial Hypobetalipoproteinemia; Hypobetalipoproteinemia, normotriglyceridemic; Acanthocytosis with hypobetalipoproteinemia. Identifiers: MedGen C4551990, MONDO:0014252, OMIM 615558.

Allele frequency attached by ClinVar (database versions not stated): gnomAD exomes 0.00001; ExAC 0.00003.
gnomAD v4.1: 7 of 1,614,038 alleles (0.00043%); highest among the groups gnomAD compares: South Asian, 0.0066%; no homozygotes.

Submissions (2):

GeneDx
Classification: Uncertain significance. Last evaluated: 2026-04-14. Review status: criteria provided, single submitter. Criteria: GeneDx Variant Classification Process June 2021. Collection method: clinical testing. Allele origin: germline.
Comment: Not observed at significant frequency in large population cohorts (gnomAD); In silico analysis suggests that this missense variant does not alter protein structure/function; Has not been previously published as pathogenic or benign to our knowledge

Labcorp Genetics (formerly Invitae), Labcorp
Classification: Likely benign for Familial hypobetalipoproteinemia 1; Hypercholesterolemia, autosomal dominant, type B. Last evaluated: 2023-12-04. Review status: criteria provided, single submitter. Criteria: Invitae Variant Classification Sherloc (09022015). Collection method: clinical testing. Allele origin: germline.